The following is an entry in ClinVar:

NM_001430.5(EPAS1):c.1601C>T (p.Pro534Leu)

Gene: EPAS1 (endothelial PAS domain protein 1; plus strand). Cytogenetic location: 2p21.
Variant type: single nucleotide variant.
Coding change: c.1601C>T on transcript NM_001430.5 (MANE Select); coding-DNA position 1601, C replaced by T.
Protein change: p.Pro534Leu; replaces proline 534 with leucine.
Molecular consequence: missense variant.
Genome position (GRCh38, 1-based): chr2:46,380,273, C>T. VCF-style: chr2-46380273-C-T. GRCh37 (hg19) VCF-style: chr2-46607412-C-T.
Other names: short protein forms P534L.
Identifiers: ClinVar variation 2920985 (VCV002920985.1), dbSNP rs2546476675, ClinGen allele CA346704479.

ClinVar aggregate classification (germline): Likely pathogenic (1 of 4 stars; one submission).

Conditions:
Erythrocytosis, familial, 4 (ECYT4). Identifiers: Orphanet 247511, MedGen C2673187, MONDO:0012729, OMIM 611783.

Submission:

ARUP Laboratories, Molecular Genetics and Genomics, ARUP Laboratories
Classification: Likely pathogenic for Erythrocytosis, familial, 4. Last evaluated: 2023-03-22. Review status: criteria provided, single submitter. Criteria: ARUP Molecular Germline Variant Investigation Process 2024. Collection method: clinical testing. Allele origin: germline.
Comment: The EPAS1 c.1601C>T; p.Pro534Leu variant is reported in the literature in an individual affected with erythrocytosis (Furlow 2009). This variant is absent from the Genome Aggregation Database, indicating it is not a common polymorphism. Additionally, another variant at this codon (c.1601C>G; p.Pro534Arg) has been reported in an individual with erythrocytosis and is considered likely pathogenic (Kristan 2019, Oliveira 2018). In vitro functional analyses with the p.Pro534Leu variant demonstrate decreased degradation and increased stabilization of the HIF2A (EPAS1) protein leading to a gain-of-function (Furlow 2009). Computational analyses predict that this variant is deleterious (REVEL: 0.962). Based on available information, this variant is considered to be likely pathogenic. REFERENCES Furlow PW et al. Erythrocytosis-associated HIF-2alpha mutations demonstrate a critical role for residues C-terminal to the hydroxylacceptor proline. J Biol Chem. 2009 Apr 3. PMID: 19208626 Kristan A et al. Genetic variability of hypoxia-inducible factor alpha (HIFA) genes in familial erythrocytosis: Analysis of the literature and genome databases. Eur J Haematol. 2019 Oct. PMID: 31376207 Oliveira JL et al. Genotype-Phenotype Correlation of Hereditary Erythrocytosis Mutations, a single center experience. Am J Hematol. 2018 May 23. PMID: 29790589